The following is an entry in ClinVar:

NM_001042492.3(NF1):c.3500T>A (p.Leu1167Ter)

Gene: NF1 (neurofibromin 1; plus strand). Cytogenetic location: 17q11.2.
Variant type: single nucleotide variant.
Coding change: c.3500T>A on transcript NM_001042492.3 (MANE Select); coding-DNA position 3500, T replaced by A.
Protein change: p.Leu1167Ter; replaces leucine 1167 with a stop codon.
Molecular consequence: nonsense.
Genome position (GRCh38, 1-based): chr17:31,233,005, T>A. VCF-style: chr17-31233005-T-A. GRCh37 (hg19) VCF-style: chr17-29560023-T-A.
Other names: c.3500T>A, p.Leu1167Ter (NM_000267.4); short protein forms L1167*.
Identifiers: ClinVar variation 3878990 (VCV003878990.2).

ClinVar aggregate classification (germline): Pathogenic. Review status: criteria provided, multiple submitters, no conflicts (2 of 4 stars). 2 submissions from 2 submitters: Pathogenic (2). Last evaluated 2025-02-15.

Conditions:
Cardiovascular phenotype. Identifiers: MedGen CN230736.
Hereditary cancer-predisposing syndrome. Also called: Neoplastic Syndromes, Hereditary; Tumor predisposition; Hereditary neoplastic syndrome; Hereditary Cancer Syndrome. Identifiers: Orphanet 140162, MedGen C0027672, MeSH D009386, MONDO:0015356.
Neurofibromatosis, type 1 (NF1). Also called: VON RECKLINGHAUSEN DISEASE; Peripheral type neurofibromatosis; Neurofibromatosis, type I; NEUROFIBROMATOSIS, TYPE I, SOMATIC. Identifiers: Orphanet 636, MedGen C0027831, MONDO:0018975, OMIM 162200. Disease mechanism: loss of function.

Submissions (2):

Labcorp Genetics (formerly Invitae), Labcorp
Classification: Pathogenic for Neurofibromatosis, type 1. Last evaluated: 2025-02-15. Review status: criteria provided, single submitter. Criteria: Invitae Variant Classification Sherloc (09022015). Collection method: clinical testing. Allele origin: germline.
Comment: This sequence change creates a premature translational stop signal (p.Leu1167*) in the NF1 gene. It is expected to result in an absent or disrupted protein product. Loss-of-function variants in NF1 are known to be pathogenic (PMID: 10712197, 23913538). This variant is not present in population databases (gnomAD no frequency). This premature translational stop signal has been observed in individual(s) with neurofibromatosis type 1 (PMID: 23913538). For these reasons, this variant has been classified as Pathogenic.

Ambry Genetics
Classification: Pathogenic for Cardiovascular phenotype; Hereditary cancer-predisposing syndrome. Last evaluated: 2024-12-12. Review status: criteria provided, single submitter. Criteria: Ambry Variant Classification Scheme 2023. Collection method: clinical testing. Allele origin: germline.
Comment: The p.L1167* pathogenic mutation (also known as c.3500T>A), located in coding exon 27 of the NF1 gene, results from a T to A substitution at nucleotide position 3500. This changes the amino acid from a leucine to a stop codon within coding exon 27. This variant is considered to be rare based on population cohorts in the Genome Aggregation Database (gnomAD). This alteration is expected to result in loss of function by premature protein truncation or nonsense-mediated mRNA decay. As such, this alteration is interpreted as a disease-causing mutation.

Literature cited by the submitters: PubMed 10712197 (cited by Labcorp Genetics (formerly Invitae), Labcorp); PubMed 23913538 (cited by Labcorp Genetics (formerly Invitae), Labcorp).